The following is an entry in ClinVar:

ClinVar aggregate classification (germline): Uncertain significance (1 of 4 stars; one submission).

Conditions:
Inborn genetic diseases. Identifiers: MedGen C0950123, MeSH D030342.

Submission:

Ambry Genetics
Classification: Uncertain significance for Inborn genetic diseases. Last evaluated: 2020-02-04. Review status: criteria provided, single submitter. Criteria: Ambry Variant Classification Scheme 2023. Collection method: clinical testing. Allele origin: germline.
Comment: The p.E628A variant (also known as c.1883A>C), located in coding exon 17 of the DNM2 gene, results from an A to C substitution at nucleotide position 1883. The glutamic acid at codon 628 is replaced by alanine, an amino acid with dissimilar properties. This amino acid position is highly conserved in available vertebrate species. In addition, this alteration is predicted to be deleterious by in silico analysis. Since supporting evidence is limited at this time, the clinical significance of this alteration remains unclear.

NM_001005361.3(DNM2):c.1883A>C (p.Glu628Ala)

Gene: DNM2 (dynamin 2; plus strand). Cytogenetic location: 19p13.2.
Variant type: single nucleotide variant.
Coding change: c.1883A>C on transcript NM_001005361.3 (MANE Select); coding-DNA position 1883, A replaced by C.
Protein change: p.Glu628Ala; replaces glutamic acid 628 with alanine.
Molecular consequence: missense variant.
Genome position (GRCh38, 1-based): chr19:10,823,889, A>C. VCF-style: chr19-10823889-A-C. GRCh37 (hg19) VCF-style: chr19-10934565-A-C.
Other names: c.1883A>C, p.Glu628Ala (NM_001005360.3, NM_001190716.2); c.1871A>C, p.Glu624Ala (NM_001005362.3, NM_004945.4); short protein forms E624A, E628A.
Identifiers: ClinVar variation 1781923 (VCV001781923.2), dbSNP rs2513349086, ClinGen allele CA404041179.